The following is an entry in ClinVar:

NM_001006630.2(CHRM2):c.-282-69C>T

Gene: CHRM2 (cholinergic receptor muscarinic 2; plus strand). Cytogenetic location: 7q33.
Variant type: single nucleotide variant.
Coding change: c.-282-69C>T on transcript NM_001006630.2 (MANE Select); 69 bases into the intron before 282 bases upstream of the start codon, C replaced by T.
Molecular consequence: intron variant.
Genome position (GRCh38, 1-based): chr7:136,869,192, C>T. VCF-style: chr7-136869192-C-T. GRCh37 (hg19) VCF-style: chr7-136553939-C-T.
Other names: c.-394-69C>T (NM_001378972.1); c.-204-69C>T (NM_001006627.3, NM_001378973.1); c.-361+19C>T (NM_001006626.3); c.-283+19C>T (NM_000739.3); c.-205+19C>T (NM_001006632.3); c.-282-69C>T (NM_001006631.3).
Identifiers: ClinVar variation 508648 (VCV000508648.1), dbSNP rs1554407126, ClinGen allele CA658797018.
Genomic context (GRCh38, chr7:136,869,192, plus strand): 5'-CTGCGCGCGCGCCAGCCCCGCAGCTCTCGCCAGAGCCTTGGGGTCGGTTCTCTCCCGCCT[C>T]TCCCGCCTCTCCCGCCCCACCCCTACAGTGTCTCGGCATCAACTAATCTTTTCCTTTTCT-3'

ClinVar aggregate classification (germline): Likely benign (1 of 4 stars; one submission).

Submission:

GeneDx
Classification: Likely benign. Last evaluated: 2017-03-31. Review status: criteria provided, single submitter. Criteria: GeneDx Variant Classification (06012015). Collection method: clinical testing. Allele origin: germline. Affected: yes.
Comment: This variant is considered likely benign or benign based on one or more of the following criteria: it is a conservative change, it occurs at a poorly conserved position in the protein, it is predicted to be benign by multiple in silico algorithms, and/or has population frequency not consistent with disease.